The following is an entry in ClinVar:

ClinVar aggregate classification (germline): Uncertain significance. Review status: criteria provided, multiple submitters, no conflicts (2 of 4 stars). 3 submissions from 3 submitters: Uncertain significance (2). 1 of the submissions does not count toward it. Last evaluated 2025-02-01.

Conditions:
Inborn genetic diseases. Identifiers: MedGen C0950123, MeSH D030342.

Allele frequency attached by ClinVar (database versions not stated): TOPMed 0.00005; gnomAD exomes 0.00006 and 0.00013; ExAC 0.00007; gnomAD 0.00007 and 0.00008.
gnomAD v4.1: 189 of 1,611,388 alleles (0.012%); highest among the groups gnomAD compares: Non-Finnish European, 0.015%; no homozygotes.

Submissions (3):

Ambry Genetics
Classification: Uncertain significance for Inborn genetic diseases. Last evaluated: 2025-02-01. Review status: criteria provided, single submitter. Criteria: Ambry Variant Classification Scheme 2023. Collection method: clinical testing. Allele origin: germline.

Labcorp Genetics (formerly Invitae), Labcorp
Classification: Uncertain significance. Last evaluated: 2022-07-12. Review status: criteria provided, single submitter. Criteria: Invitae Variant Classification Sherloc (09022015). Collection method: clinical testing. Allele origin: germline.
Comment: This variant has not been reported in the literature in individuals affected with WDR4-related conditions. This sequence change replaces alanine, which is neutral and non-polar, with valine, which is neutral and non-polar, at codon 176 of the WDR4 protein (p.Ala176Val). This variant is present in population databases (rs373758825, gnomAD 0.01%). ClinVar contains an entry for this variant (Variation ID: 1049146). Algorithms developed to predict the effect of missense changes on protein structure and function are either unavailable or do not agree on the potential impact of this missense change (SIFT: "Tolerated"; PolyPhen-2: "Possibly Damaging"; Align-GVGD: "Class C0"). Algorithms developed to predict the effect of sequence changes on RNA splicing suggest that this variant may create or strengthen a splice site. In summary, the available evidence is currently insufficient to determine the role of this variant in disease. Therefore, it has been classified as a Variant of Uncertain Significance.

Department of Pathology and Laboratory Medicine, Sinai Health System
Classification: Uncertain significance. Review status: no assertion criteria provided. Collection method: clinical testing. Allele origin: unknown. Affected: yes. Study: The Canadian Open Genetics Repository (COGR). Not counted in ClinVar's aggregate classification.
Comment: The WDR4 p.Ala176Val variant was not identified in the literature nor was it identified in ClinVar. The variant was identified in dbSNP (ID: rs373758825) and in control databases in 19 of 276682 chromosomes at a frequency of 0.00006867 (Genome Aggregation Database March 6, 2019, v2.1.1). The variant was observed in the following populations: Latino in 5 of 35012 chromosomes (freq: 0.000143), Other in 1 of 7092 chromosomes (freq: 0.000141), European (Finnish) in 2 of 23646 chromosomes (freq: 0.000085), European (non-Finnish) in 10 of 126716 chromosomes (freq: 0.000079) and South Asian in 1 of 29890 chromosomes (freq: 0.000033), but was not observed in the African, Ashkenazi Jewish, or East Asian populations. The p.Ala176 residue is conserved in mammals and computational analyses (PolyPhen-2, SIFT, AlignGVGD, BLOSUM, MutationTaster) do not suggest a high likelihood of impact to the protein; this information is not very predictive of pathogenicity. The variant occurs outside of the splicing consensus sequence and in silico or computational prediction software programs (SpliceSiteFinder, MaxEntScan, NNSPLICE, GeneSplicer) do not predict a difference in splicing. In summary, based on the above information the clinical significance of this variant cannot be determined with certainty at this time. This variant is classified as a variant of uncertain significance.

NM_018669.6(WDR4):c.527C>T (p.Ala176Val)

Gene: WDR4 (WDR4 tRNA N7-guanosine methyltransferase non-catalytic subunit; minus strand). Cytogenetic location: 21q22.3.
Variant type: single nucleotide variant.
Coding change: c.527C>T on transcript NM_018669.6 (MANE Select); coding-DNA position 527, C replaced by T.
Protein change: p.Ala176Val; replaces alanine 176 with valine.
Molecular consequence: missense variant. On other transcripts: non-coding transcript variant (1).
Genome position (GRCh38, 1-based): chr21:42,862,321, G>A on the plus strand (C>T on the coding strand, the complement: WDR4 is on the minus strand). VCF-style: chr21-42862321-G-A. GRCh37 (hg19) VCF-style: chr21-44282431-G-A.
Other names: c.527C>T, p.Ala176Val (NM_001260474.2, NM_033661.5); c.89C>T, p.Ala30Val (NM_001260475.2, NM_001260476.2, NM_001260477.2); c.527C>T (NM_018669.4); short protein forms A176V, A30V.
Identifiers: ClinVar variation 1049146 (VCV001049146.7), dbSNP rs373758825, ClinGen allele CA10046068.